The following is an entry in ClinVar:

ClinVar aggregate classification (germline): Likely benign (1 of 4 stars; one submission).

Conditions:
3M syndrome 1. Also called: 3-M Syndrome, CUL7-Related. Identifiers: Orphanet 2616, MedGen C2678312, MONDO:0010117, OMIM 273750.

Allele frequency attached by ClinVar (database versions not stated): 1000 Genomes Project 30x 0.00156; TOPMed 0.00022; 1000 Genomes Project 0.00200; gnomAD 0.00026.

Submission:

Illumina Laboratory Services, Illumina
Classification: Likely benign for 3M syndrome 1. Last evaluated: 2018-01-13. Review status: criteria provided, single submitter. Criteria: ICSL Variant Classification Criteria 13 December 2019. Collection method: clinical testing. Allele origin: germline.
Comment: This variant was observed in the ICSL laboratory as part of a predisposition screen in an ostensibly healthy population. It had not been previously curated by ICSL or reported in the Human Gene Mutation Database (HGMD: prior to June 1st, 2018), and was therefore a candidate for classification through an automated scoring system. Utilizing variant allele frequency, disease prevalence and penetrance estimates, and inheritance mode, an automated score was calculated to assess if this variant is too frequent to cause the disease. Based on the score and internal cut-off values, a variant classified as likely benign is not then subjected to further curation. The score for this variant resulted in a classification of likely benign for this disease.

NM_014780.4(CUL7):c.-298C>G

Genes: CUL7 (cullin 7; minus strand), LOC129996487 (ATAC-STARR-seq lymphoblastoid silent region 17217; plus strand). Cytogenetic location: 6p21.1.
Variant type: single nucleotide variant.
Coding change: c.-298C>G on transcript NM_014780.4; 298 bases upstream of the start codon, C replaced by G.
Genome position (GRCh38, 1-based): chr6:43,053,911, G>C on the plus strand (C>G on the coding strand, the complement: CUL7 is on the minus strand). VCF-style: chr6-43053911-G-C. GRCh37 (hg19) VCF-style: chr6-43021649-G-C.
Identifiers: ClinVar variation 356864 (VCV000356864.7), dbSNP rs369727378, ClinGen allele CA10626922.